The following is an entry in ClinVar:

NM_001127208.3(TET2):c.1486A>G (p.Met496Val)

Genes: TET2 (tet methylcytosine dioxygenase 2; plus strand), TET2-AS1 (TET2 antisense RNA 1; minus strand). Cytogenetic location: 4q24.
Variant type: single nucleotide variant.
Coding change: c.1486A>G on transcript NM_001127208.3 (MANE Select); coding-DNA position 1486, A replaced by G.
Protein change: p.Met496Val; replaces methionine 496 with valine.
Molecular consequence: missense variant.
Genome position (GRCh38, 1-based): chr4:105,235,428, A>G. VCF-style: chr4-105235428-A-G. GRCh37 (hg19) VCF-style: chr4-106156585-A-G.
Other names: c.1486A>G, p.Met496Val (NM_017628.4); short protein forms M496V.
Identifiers: ClinVar variation 4691253 (VCV004691253.1).

ClinVar aggregate classification (germline): Uncertain significance (1 of 4 stars; one submission).

gnomAD v4.1: 20 of 1,614,094 alleles (0.0012%); highest among the groups gnomAD compares: African/African-American, 0.0067%; no homozygotes.

Submission:

Labcorp Genetics (formerly Invitae), Labcorp
Classification: Uncertain significance. Last evaluated: 2026-01-07. Review status: criteria provided, single submitter. Criteria: Invitae Variant Classification Sherloc (09022015). Collection method: clinical testing. Allele origin: germline.
Comment: This sequence change replaces methionine, which is neutral and non-polar, with valine, which is neutral and non-polar, at codon 496 of the TET2 protein (p.Met496Val). This variant is present in population databases (rs575447827, gnomAD 0.006%). This variant has not been reported in the literature in individuals affected with TET2-related conditions. An algorithm developed to predict the effect of missense changes on protein structure and function (PolyPhen-2) suggests that this variant is likely to be tolerated. In summary, the available evidence is currently insufficient to determine the role of this variant in disease. Therefore, it has been classified as a Variant of Uncertain Significance.